The following is an entry in ClinVar:

NM_000127.3(EXT1):c.119A>G (p.His40Arg)

Gene: EXT1 (exostosin glycosyltransferase 1; minus strand). Cytogenetic location: 8q24.11.
Variant type: single nucleotide variant.
Coding change: c.119A>G on transcript NM_000127.3 (MANE Select); coding-DNA position 119, A replaced by G.
Protein change: p.His40Arg; replaces histidine 40 with arginine.
Molecular consequence: missense variant.
Genome position (GRCh38, 1-based): chr8:118,110,928, T>C on the plus strand (A>G on the coding strand, the complement: EXT1 is on the minus strand). VCF-style: chr8-118110928-T-C. GRCh37 (hg19) VCF-style: chr8-119123167-T-C.
Other names: short protein forms H40R.
Identifiers: ClinVar variation 2415240 (VCV002415240.6), dbSNP rs2488053639, ClinGen allele CA371916560.

ClinVar aggregate classification (germline): Uncertain significance (1 of 4 stars; one submission).

Conditions:
Multiple congenital exostosis (EXT). Also called: Hereditary multiple osteochondromas; Multiple exostoses; Multiple osteochondromas; MULTIPLE CARTILAGINOUS EXOSTOSES; Hereditary multiple exostoses; Hereditary multiple exostosis. Identifiers: Orphanet 321, MedGen C0015306, MONDO:0005508, HP:0002762.

Submission:

Labcorp Genetics (formerly Invitae), Labcorp
Classification: Uncertain significance for Multiple congenital exostosis. Last evaluated: 2025-01-19. Review status: criteria provided, single submitter. Criteria: Invitae Variant Classification Sherloc (09022015). Collection method: clinical testing. Allele origin: germline.
Comment: This sequence change replaces histidine, which is basic and polar, with arginine, which is basic and polar, at codon 40 of the EXT1 protein (p.His40Arg). This variant is not present in population databases (gnomAD no frequency). This variant has not been reported in the literature in individuals affected with EXT1-related conditions. ClinVar contains an entry for this variant (Variation ID: 2415240). Invitae Evidence Modeling of protein sequence and biophysical properties (such as structural, functional, and spatial information, amino acid conservation, physicochemical variation, residue mobility, and thermodynamic stability) indicates that this missense variant is not expected to disrupt EXT1 protein function with a negative predictive value of 95%. In summary, the available evidence is currently insufficient to determine the role of this variant in disease. Therefore, it has been classified as a Variant of Uncertain Significance.